The following is an entry in ClinVar:

NM_205836.3(FBXO38):c.1093+4A>G

Gene: FBXO38 (F-box protein 38; plus strand). Cytogenetic location: 5q32.
Variant type: single nucleotide variant.
Coding change: c.1093+4A>G on transcript NM_205836.3 (MANE Select); 4 bases into the intron after coding-DNA position 1093, A replaced by G.
Molecular consequence: intron variant.
Genome position (GRCh38, 1-based): chr5:148,410,769, A>G. VCF-style: chr5-148410769-A-G. GRCh37 (hg19) VCF-style: chr5-147790332-A-G.
Other names: c.1093+4A>G (NM_030793.5, NM_001271723.2).
Identifiers: ClinVar variation 4881019 (VCV004881019.2).

ClinVar aggregate classification (germline): Uncertain significance (1 of 4 stars; one submission).

Submission:

Dasa
Classification: Uncertain significance. Last evaluated: 2024-11-27. Review status: criteria provided, single submitter. Criteria: DASA Assertion Criteria. Collection method: clinical testing. Allele origin: germline.
Comment: NM_205836.3(FBXO38):c.1093+4A>G is a splice-region variant predicted to affect normal RNA splicing. This variant is absent from population databases. Computational prediction algorithms are consistent with a deleterious effect. The currently available literature and clinical evidence are not sufficient to establish a definitive association between this variant and the reported condition. Therefore, this variant is classified as a variant of uncertain significance.